The following is an entry in ClinVar:

ClinVar aggregate classification (germline): Uncertain significance (1 of 4 stars; one submission).

Conditions:
Inborn genetic diseases. Identifiers: MedGen C0950123, MeSH D030342.

Submission:

Ambry Genetics
Classification: Uncertain significance for Inborn genetic diseases. Last evaluated: 2025-12-24. Review status: criteria provided, single submitter. Criteria: Ambry Variant Classification Scheme 2023. Collection method: clinical testing. Allele origin: germline.
Comment: The p.V19L variant (also known as c.55G>C), located in coding exon 1 of the MIB1 gene, results from a G to C substitution at nucleotide position 55. The valine at codon 19 is replaced by leucine, an amino acid with highly similar properties. This amino acid position is conserved. In addition, this alteration is predicted to be tolerated by in silico analysis. Based on the available evidence, the clinical significance of this variant remains unclear.

NM_020774.4(MIB1):c.55G>C (p.Val19Leu)

Gene: MIB1 (MIB E3 ubiquitin protein ligase 1; plus strand). Cytogenetic location: 18q11.2.
Variant type: single nucleotide variant.
Coding change: c.55G>C on transcript NM_020774.4 (MANE Select); coding-DNA position 55, G replaced by C.
Protein change: p.Val19Leu; replaces valine 19 with leucine.
Molecular consequence: missense variant.
Genome position (GRCh38, 1-based): chr18:21,741,638, G>C. VCF-style: chr18-21741638-G-C. GRCh37 (hg19) VCF-style: chr18-19321599-G-C.
Other names: short protein forms V19L.
Identifiers: ClinVar variation 4841895 (VCV004841895.1).